The following is an entry in ClinVar:

NM_021625.5(TRPV4):c.1528C>T (p.Arg510Trp)

Gene: TRPV4 (transient receptor potential cation channel subfamily V member 4; minus strand). Cytogenetic location: 12q24.11.
Variant type: single nucleotide variant.
Coding change: c.1528C>T on transcript NM_021625.5 (MANE Select); coding-DNA position 1528, C replaced by T.
Protein change: p.Arg510Trp; replaces arginine 510 with tryptophan.
Molecular consequence: missense variant.
Genome position (GRCh38, 1-based): chr12:109,793,986, G>A on the plus strand (C>T on the coding strand, the complement: TRPV4 is on the minus strand). VCF-style: chr12-109793986-G-A. GRCh37 (hg19) VCF-style: chr12-110231791-G-A.
Other names: c.1387C>T, p.Arg463Trp (NM_001177428.2); c.1426C>T, p.Arg476Trp (NM_001177431.2); c.1207C>T, p.Arg403Trp (NM_001177433.2); c.1348C>T, p.Arg450Trp (NM_147204.3); short protein forms R510W, R403W, R476W, R463W, R450W.
Identifiers: ClinVar variation 469037 (VCV000469037.12), dbSNP rs918220829, ClinGen allele CA243463342.
Genomic context (GRCh38, chr12:109,793,986, plus strand): 5'-TTACGTTGGTGAAGAAGAACAGGACCCCAGTGAAGAGCGTAATGACCTCGCCAGCCAGCC[G>A]CAGGTAGTCCACCGTGGTGCGGTAAGGGTACGGCGGCTGGGGAGCAGCAAGGGCACACAG-3'
Protein context (NP_067638.3, residues 500-520): YPYRTTVDYL[Arg510Trp]LAGEVITLFT

ClinVar aggregate classification (germline): Uncertain significance. Review status: criteria provided, multiple submitters, no conflicts (2 of 4 stars). 2 submissions from 2 submitters: Uncertain significance (2). Last evaluated 2025-09-11.

Conditions:
Inborn genetic diseases. Identifiers: MedGen C0950123, MeSH D030342.
Charcot-Marie-Tooth disease axonal type 2C (HMSN2C). Also called: CHARCOT-MARIE-TOOTH DISEASE, AXONAL, AUTOSOMAL DOMINANT, TYPE 2C; Charcot-Marie-Tooth Neuropathy Type 2C; Charcot-Marie-Tooth Disease Type 2, TRPV4-Related (CMT2C). Identifiers: Orphanet 99937, MedGen C1853710, MONDO:0011633, OMIM 606071.

Allele frequency attached by ClinVar (database versions not stated): gnomAD 0.00001; gnomAD exomes 0.00001.
gnomAD v4.1: 19 of 1,610,436 alleles (0.0012%); highest among the groups gnomAD compares: South Asian, 0.0045%; no homozygotes.

Submissions (2):

Labcorp Genetics (formerly Invitae), Labcorp
Classification: Uncertain significance for Charcot-Marie-Tooth disease axonal type 2C. Last evaluated: 2025-09-11. Review status: criteria provided, single submitter. Criteria: Invitae Variant Classification Sherloc (09022015). Collection method: clinical testing. Allele origin: germline.
Comment: This sequence change replaces arginine, which is basic and polar, with tryptophan, which is neutral and slightly polar, at codon 510 of the TRPV4 protein (p.Arg510Trp). The frequency data for this variant in the population databases is considered unreliable, as metrics indicate poor data quality at this position in the gnomAD database. This variant has not been reported in the literature in individuals affected with TRPV4-related conditions. ClinVar contains an entry for this variant (Variation ID: 469037). Invitae Evidence Modeling of protein sequence and biophysical properties (such as structural, functional, and spatial information, amino acid conservation, physicochemical variation, residue mobility, and thermodynamic stability) has been performed for this missense variant. However, the output from this modeling did not meet the statistical confidence thresholds required to predict the impact of this variant on TRPV4 protein function. In summary, the available evidence is currently insufficient to determine the role of this variant in disease. Therefore, it has been classified as a Variant of Uncertain Significance.

Ambry Genetics
Classification: Uncertain significance for Inborn genetic diseases. Last evaluated: 2022-08-01. Review status: criteria provided, single submitter. Criteria: Ambry Variant Classification Scheme 2023. Collection method: clinical testing. Allele origin: germline.
Comment: The p.R510W variant (also known as c.1528C>T), located in coding exon 8 of the TRPV4 gene, results from a C to T substitution at nucleotide position 1528. The arginine at codon 510 is replaced by tryptophan, an amino acid with dissimilar properties. This amino acid position is highly conserved in available vertebrate species. In addition, this alteration is predicted to be deleterious by in silico analysis. Since supporting evidence is limited at this time, the clinical significance of this alteration remains unclear.